The following is an entry in ClinVar:

ClinVar aggregate classification (germline): Uncertain significance (1 of 4 stars; one submission).

Submission:

GeneDx
Classification: Uncertain significance. Last evaluated: 2026-08-03. Review status: criteria provided, single submitter. Criteria: GeneDx Variant Classification Process June 2021. Collection method: clinical testing. Allele origin: germline.
Comment: Not observed at significant frequency in large population cohorts (gnomAD); In silico analysis supports that this missense variant has a deleterious effect on protein structure/function; Has not been previously published as pathogenic or benign to our knowledge

NM_001378615.1(CC2D2A):c.3848A>T (p.Asn1283Ile)

Genes: CC2D2A (coiled-coil and C2 domain containing 2A; plus strand), FBXL5 (F-box and leucine rich repeat protein 5; minus strand). Cytogenetic location: 4p15.32.
Variant type: single nucleotide variant.
Coding change: c.3848A>T on transcript NM_001378615.1 (MANE Select); coding-DNA position 3848, A replaced by T.
Protein change: p.Asn1283Ile; replaces asparagine 1283 with isoleucine.
Molecular consequence: missense variant.
Genome position (GRCh38, 1-based): chr4:15,580,044, A>T. VCF-style: chr4-15580044-A-T. GRCh37 (hg19) VCF-style: chr4-15581667-A-T.
Other names: c.3848A>T, p.Asn1283Ile (NM_001080522.2); c.3701A>T, p.Asn1234Ile (NM_001378617.1); short protein forms N1234I, N1283I.
Identifiers: ClinVar variation 3369287 (VCV003369287.2).